The following is an entry in ClinVar:

NM_000298.6(PKLR):c.274G>C (p.Ala92Pro)

Gene: PKLR (pyruvate kinase L/R; minus strand). Cytogenetic location: 1q22.
Variant type: single nucleotide variant.
Coding change: c.274G>C on transcript NM_000298.6 (MANE Select); coding-DNA position 274, G replaced by C.
Protein change: p.Ala92Pro; replaces alanine 92 with proline.
Molecular consequence: missense variant.
Genome position (GRCh38, 1-based): chr1:155,300,107, C>G on the plus strand (G>C on the coding strand, the complement: PKLR is on the minus strand). VCF-style: chr1-155300107-C-G. GRCh37 (hg19) VCF-style: chr1-155269898-C-G.
Other names: c.181G>C, p.Ala61Pro (NM_181871.4); short protein forms A61P, A92P.
Identifiers: ClinVar variation 4741250 (VCV004741250.1).

ClinVar aggregate classification (germline): Uncertain significance (1 of 4 stars; one submission).

Submission:

Labcorp Genetics (formerly Invitae), Labcorp
Classification: Uncertain significance. Last evaluated: 2025-10-28. Review status: criteria provided, single submitter. Criteria: Invitae Variant Classification Sherloc (09022015). Collection method: clinical testing. Allele origin: germline.
Comment: This sequence change replaces alanine, which is neutral and non-polar, with proline, which is neutral and non-polar, at codon 92 of the PKLR protein (p.Ala92Pro). This variant is not present in population databases (gnomAD no frequency). This missense change has been observed in individual(s) with pyruvate kinase deficiency (internal data). Invitae Evidence Modeling of protein sequence and biophysical properties (such as structural, functional, and spatial information, amino acid conservation, physicochemical variation, residue mobility, and thermodynamic stability) indicates that this missense variant is not expected to disrupt PKLR protein function with a negative predictive value of 80%. In summary, the available evidence is currently insufficient to determine the role of this variant in disease. Therefore, it has been classified as a Variant of Uncertain Significance.